The following is an entry in ClinVar:

ClinVar aggregate classification (germline): Uncertain significance. Review status: criteria provided, multiple submitters, no conflicts (2 of 4 stars). 2 submissions from 2 submitters: Uncertain significance (2). Last evaluated 2023-10-17.

Conditions:
Hereditary cancer-predisposing syndrome. Also called: Hereditary Cancer Syndrome; Hereditary neoplastic syndrome; Tumor predisposition; Neoplastic Syndromes, Hereditary. Identifiers: Orphanet 140162, MedGen C0027672, MeSH D009386, MONDO:0015356.

Submissions (2):

Labcorp Genetics (formerly Invitae), Labcorp
Classification: Uncertain significance. Last evaluated: 2023-10-17. Review status: criteria provided, single submitter. Criteria: Invitae Variant Classification Sherloc (09022015). Collection method: clinical testing. Allele origin: germline.
Comment: This sequence change replaces isoleucine, which is neutral and non-polar, with valine, which is neutral and non-polar, at codon 834 of the POLE protein (p.Ile834Val). This variant is not present in population databases (gnomAD no frequency). This variant has not been reported in the literature in individuals affected with POLE-related conditions. ClinVar contains an entry for this variant (Variation ID: 1792249). Advanced modeling of protein sequence and biophysical properties (such as structural, functional, and spatial information, amino acid conservation, physicochemical variation, residue mobility, and thermodynamic stability) performed at Invitae indicates that this missense variant is not expected to disrupt POLE protein function. In summary, the available evidence is currently insufficient to determine the role of this variant in disease. Therefore, it has been classified as a Variant of Uncertain Significance.

Ambry Genetics
Classification: Uncertain significance for Hereditary cancer-predisposing syndrome. Last evaluated: 2022-05-23. Review status: criteria provided, single submitter. Criteria: Ambry Variant Classification Scheme 2023. Collection method: clinical testing. Allele origin: germline.
Comment: The p.I834V variant (also known as c.2500A>G), located in coding exon 22 of the POLE gene, results from an A to G substitution at nucleotide position 2500. The isoleucine at codon 834 is replaced by valine, an amino acid with highly similar properties. This amino acid position is conserved. In addition, this alteration is predicted to be tolerated by in silico analysis. Since supporting evidence is limited at this time, the clinical significance of this alteration remains unclear.

NM_006231.4(POLE):c.2500A>G (p.Ile834Val)

Gene: POLE (DNA polymerase epsilon, catalytic subunit; minus strand). Cytogenetic location: 12q24.33.
Variant type: single nucleotide variant.
Coding change: c.2500A>G on transcript NM_006231.4 (MANE Select); coding-DNA position 2500, A replaced by G.
Protein change: p.Ile834Val; replaces isoleucine 834 with valine.
Molecular consequence: missense variant.
Genome position (GRCh38, 1-based): chr12:132,664,431, T>C on the plus strand (A>G on the coding strand, the complement: POLE is on the minus strand). VCF-style: chr12-132664431-T-C. GRCh37 (hg19) VCF-style: chr12-133241017-T-C.
Other names: short protein forms I834V.
Identifiers: ClinVar variation 1792249 (VCV001792249.5), dbSNP rs2135958381, ClinGen allele CA387396505.